The following is an entry in ClinVar:

ClinVar aggregate classification (germline): Uncertain significance (1 of 4 stars; one submission).

Allele frequency attached by ClinVar (database versions not stated): TOPMed 0.00002.
gnomAD v4.1: 1 of 1,614,026 alleles (0.000062%); highest among the groups gnomAD compares: African/African-American, 0.0013%; no homozygotes.

Submission:

GeneDx
Classification: Uncertain significance. Last evaluated: 2022-12-19. Review status: criteria provided, single submitter. Criteria: GeneDx Variant Classification Process June 2021. Collection method: clinical testing. Allele origin: germline. Affected: yes.
Comment: Not observed at significant frequency in large population cohorts (gnomAD); In silico analysis supports that this missense variant does not alter protein structure/function; Has not been previously published as pathogenic or benign to our knowledge

NM_004973.4(JARID2):c.70T>A (p.Ser24Thr)

Gene: JARID2 (jumonji and AT-rich interaction domain containing 2; plus strand). Cytogenetic location: 6p22.3.
Variant type: single nucleotide variant.
Coding change: c.70T>A on transcript NM_004973.4 (MANE Select); coding-DNA position 70, T replaced by A.
Protein change: p.Ser24Thr; replaces serine 24 with threonine.
Molecular consequence: missense variant. On other transcripts: 5 prime UTR variant (1).
Genome position (GRCh38, 1-based): chr6:15,374,141, T>A. VCF-style: chr6-15374141-T-A. GRCh37 (hg19) VCF-style: chr6-15374372-T-A.
Other names: c.-447T>A (NM_001267040.1); short protein forms S24T.
Identifiers: ClinVar variation 2505818 (VCV002505818.1), dbSNP rs1443231158, ClinGen allele CA362868214.